The following is an entry in ClinVar:

ClinVar aggregate classification (germline): Uncertain significance. Review status: criteria provided, multiple submitters, no conflicts (2 of 4 stars). 4 submissions from 4 submitters: Uncertain significance (4). Last evaluated 2023-06-24.

Conditions:
Age related macular degeneration 1 (ARMD1). Also called: MACULOPATHY, AGE-RELATED, 1. Identifiers: MedGen C1864205, MONDO:0011285, OMIM 603075.

Allele frequency attached by ClinVar (database versions not stated): ExAC 0.00002; gnomAD exomes 0.00002 and 0.00003; gnomAD 0.00003 and 0.00004; TOPMed 0.00003.
gnomAD v4.1: 37 of 1,613,142 alleles (0.0023%); highest among the groups gnomAD compares: Admixed American, 0.0017%; no homozygotes.

Submissions (4):

Labcorp Genetics (formerly Invitae), Labcorp
Classification: Uncertain significance. Last evaluated: 2023-06-24. Review status: criteria provided, single submitter. Criteria: Invitae Variant Classification Sherloc (09022015). Collection method: clinical testing. Allele origin: germline.
Comment: In summary, the available evidence is currently insufficient to determine the role of this variant in disease. Therefore, it has been classified as a Variant of Uncertain Significance. An algorithm developed to predict the effect of missense changes on protein structure and function (PolyPhen-2) suggests that this variant is likely to be disruptive. ClinVar contains an entry for this variant (Variation ID: 294140). This variant has not been reported in the literature in individuals affected with HMCN1-related conditions. This variant is present in population databases (rs201953947, gnomAD 0.06%). This sequence change replaces glutamine, which is neutral and polar, with proline, which is neutral and non-polar, at codon 1408 of the HMCN1 protein (p.Gln1408Pro).

Genome-Nilou Lab
Classification: Uncertain significance for Age related macular degeneration 1. Last evaluated: 2023-04-11. Review status: criteria provided, single submitter. Criteria: ACMG Guidelines, 2015. Collection method: clinical testing. Allele origin: germline. Affected: no.

Ambry Genetics
Classification: Uncertain significance. Last evaluated: 2021-08-02. Review status: criteria provided, single submitter. Criteria: Ambry Variant Classification Scheme 2023. Collection method: clinical testing. Allele origin: germline.

Illumina Laboratory Services, Illumina
Classification: Uncertain significance for Age related macular degeneration 1. Last evaluated: 2018-01-13. Review status: criteria provided, single submitter. Criteria: ICSL Variant Classification Criteria 13 December 2019. Collection method: clinical testing. Allele origin: germline.

NM_031935.3(HMCN1):c.4223A>C (p.Gln1408Pro)

Gene: HMCN1 (hemicentin 1; plus strand). Cytogenetic location: 1q31.1.
Variant type: single nucleotide variant.
Coding change: c.4223A>C on transcript NM_031935.3 (MANE Select); coding-DNA position 4223, A replaced by C.
Protein change: p.Gln1408Pro; replaces glutamine 1408 with proline.
Molecular consequence: missense variant.
Genome position (GRCh38, 1-based): chr1:186,001,616, A>C. VCF-style: chr1-186001616-A-C. GRCh37 (hg19) VCF-style: chr1-185970748-A-C.
Other names: short protein forms Q1408P.
Identifiers: ClinVar variation 294140 (VCV000294140.11), dbSNP rs201953947, ClinGen allele CA1291951.
Genomic context (GRCh38, chr1:186,001,616, plus strand): 5'-AGGATTGGAAATAACACTGACCATTTTGGCCCTTAAAGGTGACTGAAAGCAGCACTATTC[A>C]GACTGTGAACAATGGGAAGATACTGAAGCTCTTCAGAGCCACTCCAGAGGATGCAGGAAG-3'
Protein context (NP_114141.2, residues 1398-1418): NVQVTESSTI[Gln1408Pro]TVNNGKILKL